The following is an entry in ClinVar:

NM_003000.3(SDHB):c.541-3C>G

Gene: SDHB (succinate dehydrogenase complex iron sulfur subunit B; minus strand). Cytogenetic location: 1p36.13.
Variant type: single nucleotide variant.
Coding change: c.541-3C>G on transcript NM_003000.3 (MANE Select); 3 bases into the intron before coding-DNA position 541, C replaced by G.
Molecular consequence: intron variant.
Genome position (GRCh38, 1-based): chr1:17,024,077, G>C on the plus strand (C>G on the coding strand, the complement: SDHB is on the minus strand). VCF-style: chr1-17024077-G-C. GRCh37 (hg19) VCF-style: chr1-17350572-G-C.
Identifiers: ClinVar variation 1747385 (VCV001747385.7), dbSNP rs751920183, ClinGen allele CA2580060642.

ClinVar aggregate classification (germline): Uncertain significance. Review status: criteria provided, multiple submitters, no conflicts (2 of 4 stars). 2 submissions from 2 submitters: Uncertain significance (2). Last evaluated 2022-07-21.

Conditions:
Hereditary cancer-predisposing syndrome. Also called: Neoplastic Syndromes, Hereditary; Tumor predisposition; Hereditary Cancer Syndrome; Hereditary neoplastic syndrome. Identifiers: Orphanet 140162, MedGen C0027672, MeSH D009386, MONDO:0015356.
Pheochromocytoma. Also called: MAX-Related Hereditary Paraganglioma-Pheochromocytoma Syndrome. Identifiers: Orphanet 29072, MedGen C0031511, MONDO:0008233, OMIM 171300, HP:0002666.
Pheochromocytoma/paraganglioma syndrome 4. Also called: CAROTID BODY TUMORS AND MULTIPLE EXTRAADRENAL PHEOCHROMOCYTOMAS; PARAGANGLIOMA, FAMILIAL MALIGNANT; PARAGANGLIOMAS, HEREDITARY EXTRAADRENAL; PHEOCHROMOCYTOMA, FAMILIAL EXTRAADRENAL; Paragangliomas 4; SDHB-Related Hereditary Paraganglioma-Pheochromocytoma Syndrome (Paragangliomas 4). Identifiers: Orphanet 29072, MedGen C1861848, MONDO:0007273, OMIM 115310.
Gastrointestinal stromal tumor. Also called: Gastrointestinal stromal tumor, somatic; Gastrointestinal stroma tumor. Identifiers: Orphanet 44890, MedGen C0238198, MeSH D046152, MONDO:0011719, OMIM 606764, HP:0100723.

Submissions (2):

Labcorp Genetics (formerly Invitae), Labcorp
Classification: Uncertain significance for Gastrointestinal stromal tumor; Pheochromocytoma/paraganglioma syndrome 4; Pheochromocytoma. Last evaluated: 2022-07-21. Review status: criteria provided, single submitter. Criteria: Invitae Variant Classification Sherloc (09022015). Collection method: clinical testing. Allele origin: germline.
Comment: This sequence change falls in intron 5 of the SDHB gene. It does not directly change the encoded amino acid sequence of the SDHB protein. It affects a nucleotide within the consensus splice site. This variant is not present in population databases (gnomAD no frequency). This variant has been observed in individual(s) with autosomal dominant paraganglioma-pheochromocytoma syndromes (Invitae). Variants that disrupt the consensus splice site are a relatively common cause of aberrant splicing (PMID: 17576681, 9536098). Studies have shown that this variant is associated with altered splicing resulting in unknown protein product impact (Invitae). In summary, the available evidence is currently insufficient to determine the role of this variant in disease. Therefore, it has been classified as a Variant of Uncertain Significance.

Ambry Genetics
Classification: Uncertain significance for Hereditary cancer-predisposing syndrome. Last evaluated: 2022-04-15. Review status: criteria provided, single submitter. Criteria: Ambry Variant Classification Scheme 2023. Collection method: clinical testing. Allele origin: germline.
Comment: The c.541-3C>G intronic variant results from a C to G substitution 3 nucleotides upstream from coding exon 6 in the SDHB gene. This nucleotide position is well conserved in available vertebrate species. In silico splice site analysis predicts that this alteration will weaken the native splice acceptor site and will result in the creation or strengthening of a novel splice acceptor site. Since supporting evidence is limited at this time, the clinical significance of this alteration remains unclear.

Literature cited by the submitters: PubMed 17576681 (cited by Labcorp Genetics (formerly Invitae), Labcorp); PubMed 9536098 (cited by Labcorp Genetics (formerly Invitae), Labcorp).